The following is an entry in ClinVar:

NM_012232.6(CAVIN1):c.141_148del (p.Asp47fs)

Gene: CAVIN1 (caveolae associated protein 1; minus strand). Cytogenetic location: 17q21.2.
Variant type: Deletion.
Coding change: c.141_148del on transcript NM_012232.6 (MANE Select); coding-DNA positions 141 to 148, 8 bases deleted (CCAGGTGA; older notation c.141_148delCCAGGTGA).
Protein change: p.Asp47fs; shifts the reading frame from aspartic acid 47.
Molecular consequence: frameshift variant.
Genome position (GRCh38, 1-based): chr17:42,422,950-42,422,957, TCACCTGG deleted on the plus strand (CCAGGTGA on the coding strand, the reverse complement: CAVIN1 is on the minus strand); deleting any 8 consecutive bases within chr17:42,422,950-42,422,959 gives the same sequence; the c. name uses the placement nearest the transcript's 3' end. VCF-style (leftmost placement, unchanged base first): chr17-42422949-TTCACCTGG-T. GRCh37 (hg19) VCF-style: chr17-40574967-TTCACCTGG-T.
Other names: c.141_148delCCAGGTGA (NM_012232.6); short protein forms D47fs.
Identifiers: ClinVar variation 3063854 (VCV003063854.2), dbSNP rs2509876910, ClinGen allele CA2740095374.

ClinVar aggregate classification (germline): Pathogenic (1 of 4 stars; one submission).

Conditions:
Congenital generalized lipodystrophy. Also called: Congenital generalized lipodystrophy (disease). Identifiers: MedGen C0221032, MONDO:0006536, HP:0009059.

Submission:

Women's Health and Genetics/Laboratory Corporation of America, LabCorp
Classification: Pathogenic for Congenital generalized lipodystrophy. Last evaluated: 2024-11-06. Review status: criteria provided, single submitter. Criteria: LabCorp Variant Classification Summary - May 2015. Collection method: clinical testing. Allele origin: germline.
Comment: Variant summary: CAVIN1 c.141_148delCCAGGTGA (p.Asp47GlufsX103) results in a premature termination codon, predicted to cause a truncation of the encoded protein. Although, nonsense mediated decay is not predicted several truncating variants have been observed in patients in HGMD and shown to segregate with disease. The variant was absent in 250948 control chromosomes. To our knowledge, no occurrence of c.141_148delCCAGGTGA in individuals affected with Congenital Generalized Lipodystrophy and no experimental evidence demonstrating its impact on protein function have been reported. No submitters have cited clinical-significance assessments for this variant to ClinVar. Based on the evidence outlined above, the variant was classified as pathogenic.